The following is an entry in ClinVar:

ClinVar aggregate classification (germline): Conflicting classifications of pathogenicity. Review status: criteria provided, conflicting classifications (1 of 4 stars). 3 submissions from 3 submitters: Uncertain significance (2); Likely benign (1). Last evaluated 2025-01-13.

Allele frequency attached by ClinVar (database versions not stated): ExAC 0.00004; gnomAD 0.00005; gnomAD exomes 0.00005; TOPMed 0.00010; 1000 Genomes Project 30x 0.00016; 1000 Genomes Project 0.00020.
gnomAD v4.1: 59 of 1,612,712 alleles (0.0037%); highest among the groups gnomAD compares: East Asian, 0.067%; no homozygotes.

Submissions (3):

Labcorp Genetics (formerly Invitae), Labcorp
Classification: Uncertain significance. Last evaluated: 2025-01-13. Review status: criteria provided, single submitter. Criteria: Invitae Variant Classification Sherloc (09022015). Collection method: clinical testing. Allele origin: germline.
Comment: This sequence change replaces arginine, which is basic and polar, with cysteine, which is neutral and slightly polar, at codon 505 of the TYRP1 protein (p.Arg505Cys). This variant is present in population databases (rs41303651, gnomAD 0.07%). This variant has not been reported in the literature in individuals affected with TYRP1-related conditions. ClinVar contains an entry for this variant (Variation ID: 595853). Invitae Evidence Modeling of protein sequence and biophysical properties (such as structural, functional, and spatial information, amino acid conservation, physicochemical variation, residue mobility, and thermodynamic stability) indicates that this missense variant is not expected to disrupt TYRP1 protein function with a negative predictive value of 80%. In summary, the available evidence is currently insufficient to determine the role of this variant in disease. Therefore, it has been classified as a Variant of Uncertain Significance.

Blueprint Genetics
Classification: Likely benign. Last evaluated: 2024-04-04. Review status: criteria provided, single submitter. Criteria: ACMG Guidelines, 2015. Collection method: clinical testing. Allele origin: germline.

Eurofins Ntd Llc (ga)
Classification: Uncertain significance. Last evaluated: 2018-02-02. Review status: criteria provided, single submitter. Criteria: EGL Classification Definitions 2015. Collection method: clinical testing. Allele origin: germline. Observed: 1 variant allele, 1 heterozygote.

NM_000550.3(TYRP1):c.1513C>T (p.Arg505Cys)

Genes: LURAP1L-AS1 (LURAP1L antisense RNA 1; minus strand), TYRP1 (tyrosinase related protein 1; plus strand). Cytogenetic location: 9p23.
Variant type: single nucleotide variant.
Coding change: c.1513C>T on transcript NM_000550.3 (MANE Select); coding-DNA position 1513, C replaced by T.
Protein change: p.Arg505Cys; replaces arginine 505 with cysteine.
Molecular consequence: missense variant.
Genome position (GRCh38, 1-based): chr9:12,709,081, C>T. VCF-style: chr9-12709081-C-T. GRCh37 (hg19) VCF-style: chr9-12709081-C-T.
Other names: short protein forms R505C.
Identifiers: ClinVar variation 595853 (VCV000595853.9), dbSNP rs41303651, ClinGen allele CA4985604.